The following is an entry in ClinVar:

NM_000238.4(KCNH2):c.1419_1464del (p.Thr474fs)

Gene: KCNH2 (potassium voltage-gated channel subfamily H member 2; minus strand). Cytogenetic location: 7q36.1.
Variant type: Deletion.
Coding change: c.1419_1464del on transcript NM_000238.4 (MANE Select); coding-DNA positions 1419 to 1464, 46 bases deleted.
Protein change: p.Thr474fs; shifts the reading frame from threonine 474.
Molecular consequence: frameshift variant. On other transcripts: non-coding transcript variant (2).
Genome position (GRCh38, 1-based): chr7:150,952,518-150,952,563, 46 bases deleted; deleting any 46 consecutive bases within chr7:150,952,518-150,952,564 gives the same sequence; the c. name uses the placement nearest the transcript's 3' end. GRCh37 (hg19): chr7:150,649,607-150,649,652.
Other names: c.399_444del, p.Thr134fs (NM_001204798.2, NM_172057.3); c.1131_1176del, p.Thr378fs (NM_001406753.1, NM_001406756.1); c.1242_1287del, p.Thr415fs (NM_001406755.1); c.1119_1164del, p.Thr374fs (NM_001406757.1); c.1419_1464del, p.Thr474fs (NM_172056.3); short protein forms T134fs, T374fs, T378fs, T415fs, T474fs.
Identifiers: ClinVar variation 3386903 (VCV003386903.1).
Genomic context (GRCh38, chr7:150,952,517, plus strand): 5'-CGAAGGGGATGGCGGCCACCATGTCGATGAGGAACCAGCCCTTGAAGTAGTGGACGGCGA[TGCGGCCGGGGTGGCTGACCACCTCCTCGTTGGCATTGACGTAGGTG>T]GTGCGGAAGTTGATGAGGATGTCCACAATGAACATGATGTCCACGATGAGGTCCACCACA-3'

ClinVar aggregate classification (germline): Uncertain significance (1 of 4 stars; one submission).

Conditions:
Long QT syndrome (LQTS). Identifiers: MedGen C0023976, MeSH D008133, MONDO:0002442. Disease mechanism: loss of function. Inheritance: Various modes of inheritance.

Submission:

All of Us Research Program, National Institutes of Health
Classification: Uncertain significance for Long QT syndrome. Last evaluated: 2023-05-31. Review status: criteria provided, single submitter. Criteria: ACMG Guidelines, 2015. Collection method: clinical testing. Allele origin: germline. Inheritance: Autosomal dominant inheritance. Observed: 1 variant allele, 1 heterozygote.
Comment: This study involves interpretation of variants in research participants for the purpose of population health screening. Participant phenotype was not available at the time of variant classification. Additional details can be found in publication PMID: 35346344, PMCID: PMC8962531